The following is an entry in ClinVar:

ClinVar aggregate classification (germline): Uncertain significance (1 of 4 stars; one submission).

Conditions:
Hereditary cancer-predisposing syndrome. Also called: Hereditary neoplastic syndrome; Neoplastic Syndromes, Hereditary; Tumor predisposition; Hereditary Cancer Syndrome. Identifiers: Orphanet 140162, MedGen C0027672, MeSH D009386, MONDO:0015356.

Submission:

Ambry Genetics
Classification: Uncertain significance for Hereditary cancer-predisposing syndrome. Last evaluated: 2025-02-21. Review status: criteria provided, single submitter. Criteria: Ambry Variant Classification Scheme 2023. Collection method: clinical testing. Allele origin: germline.
Comment: The p.F1501V variant (also known as c.4501T>G), located in coding exon 22 of the DICER1 gene, results from a T to G substitution at nucleotide position 4501. The phenylalanine at codon 1501 is replaced by valine, an amino acid with highly similar properties. This amino acid position is conserved. In addition, the in silico prediction for this alteration is inconclusive. Based on the available evidence, the clinical significance of this variant remains unclear.

NM_177438.3(DICER1):c.4501T>G (p.Phe1501Val)

Gene: DICER1 (dicer 1, ribonuclease III; minus strand). Cytogenetic location: 14q32.13.
Variant type: single nucleotide variant.
Coding change: c.4501T>G on transcript NM_177438.3 (MANE Select); coding-DNA position 4501, T replaced by G.
Protein change: p.Phe1501Val; replaces phenylalanine 1501 with valine.
Molecular consequence: missense variant. On other transcripts: non-coding transcript variant (6).
Genome position (GRCh38, 1-based): chr14:95,096,419, A>C on the plus strand (T>G on the coding strand, the complement: DICER1 is on the minus strand). VCF-style: chr14-95096419-A-C. GRCh37 (hg19) VCF-style: chr14-95562756-A-C.
Other names: c.4501T>G, p.Phe1501Val (NM_001395693.1, NM_001395694.1, NM_001395695.1 and 12 more transcripts); c.2818T>G, p.Phe940Val (NM_001395697.1); c.4096T>G, p.Phe1366Val (NM_001395696.1, NM_001395687.1, NM_001395688.1 and 2 more transcripts); c.4219T>G, p.Phe1407Val (NM_001395686.1); c.3934T>G, p.Phe1312Val (NM_001395691.1); short protein forms F1501V, F940V, F1366V, F1312V, F1407V.
Identifiers: ClinVar variation 3840043 (VCV003840043.1).
Genomic context (GRCh38, chr14:95,096,419, plus strand): 5'-CTTCTTCAACAGCTTTGCTAGGATCCAGATAGCACATTGCATCCCAAGAGCTGTAGTCAA[A>C]ATCCTCAAAATCTGATGAAAATGGCATACTACCTAAGGAGGATTTTTTGGGCATTTTCCA-3'
Protein context (NP_803187.1, residues 1491-1511): SMPFSSDFED[Phe1501Val]DYSSWDAMCY